The following is an entry in ClinVar:

ClinVar aggregate classification (germline): Conflicting classifications of pathogenicity. Review status: criteria provided, conflicting classifications (1 of 4 stars). 2 submissions from 2 submitters: Uncertain significance (1); Benign (1). Last evaluated 2022-09-01.

Conditions:
Colorectal cancer, hereditary nonpolyposis, type 7. Identifiers: Orphanet 144, MedGen C1858380, MONDO:0013725, OMIM 614385.

Allele frequency attached by ClinVar (database versions not stated): 1000 Genomes Project 30x 0.00078; 1000 Genomes Project 0.00080; gnomAD exomes 0.00253; TOPMed 0.00253.
gnomAD v4.1: 476 of 178,588 alleles (0.27%); highest among the groups gnomAD compares: Admixed American, 0.74%; 2 homozygotes.

Submissions (2):

CeGaT Center for Human Genetics Tuebingen
Classification: Benign. Last evaluated: 2022-09-01. Review status: criteria provided, single submitter. Criteria: CeGaT Center For Human Genetics Tuebingen Variant Classification Criteria Version 2. Collection method: clinical testing. Allele origin: germline. Affected: yes. Observed: 1 variant allele.
Comment: MLH3: BS1, BS2

Illumina Laboratory Services, Illumina
Classification: Uncertain significance for Colorectal cancer, hereditary nonpolyposis, type 7. Last evaluated: 2017-04-27. Review status: criteria provided, single submitter. Criteria: ICSL Variant Classification Criteria 13 December 2019. Collection method: clinical testing. Allele origin: germline.

NM_001040108.2(MLH3):c.*2058G>T

Gene: MLH3 (mutL homolog 3; minus strand). Cytogenetic location: 14q24.3.
Variant type: single nucleotide variant.
Coding change: c.*2058G>T on transcript NM_001040108.2 (MANE Select); 2058 bases downstream of the stop codon, G replaced by T.
Molecular consequence: 3 prime UTR variant.
Genome position (GRCh38, 1-based): chr14:75,015,024, C>A on the plus strand (G>T on the coding strand, the complement: MLH3 is on the minus strand). VCF-style: chr14-75015024-C-A. GRCh37 (hg19) VCF-style: chr14-75481727-C-A.
Other names: c.*2058G>T (NM_014381.3).
Identifiers: ClinVar variation 886124 (VCV000886124.28), dbSNP rs190537801, ClinGen allele CA263628370.
Genomic context (GRCh38, chr14:75,015,024, plus strand): 5'-GGTTCCTAAGAGGAACCTTCGTTTCCCACTTTGTAAAATGGTGATAAAGCTACCACCTTA[C>A]CTCATGGACTGTCAAGAAACTAAACTAAGATAAAGTATGAGAAAAATTATTTTGTAAACC-3'